The following is an entry in ClinVar:

NM_020207.7(ERCC6L2):c.-12C>A

Gene: ERCC6L2 (ERCC excision repair 6 like 2; plus strand). Cytogenetic location: 9q22.32.
Variant type: single nucleotide variant.
Coding change: c.-12C>A on transcript NM_020207.7 (MANE Select); 12 bases upstream of the start codon, C replaced by A.
Molecular consequence: 5 prime UTR variant. On other transcripts: non-coding transcript variant (1).
Genome position (GRCh38, 1-based): chr9:95,876,027, C>A. VCF-style: chr9-95876027-C-A. GRCh37 (hg19) VCF-style: chr9-98638309-C-A.
Other names: c.-12C>A (NM_001010895.4, NM_001375291.1, NM_001375292.1 and 2 more transcripts).
Identifiers: ClinVar variation 731231 (VCV000731231.13), dbSNP rs201393222, ClinGen allele CA5139190.

ClinVar aggregate classification (germline): Benign/Likely benign. Review status: criteria provided, multiple submitters, no conflicts (2 of 4 stars). 3 submissions from 3 submitters: Benign (1); Likely benign (1). 1 of the submissions does not count toward it. Last evaluated 2025-07-21.

Conditions:
ERCC6L2-related disorder. Also called: ERCC6L2-related condition.

Allele frequency attached by ClinVar (database versions not stated): gnomAD 0.00029 and 0.00043; TOPMed 0.00051; 1000 Genomes Project 0.00140; 1000 Genomes Project 30x 0.00172.
gnomAD v4.1: 627 of 1,586,966 alleles (0.04%); highest among the groups gnomAD compares: East Asian, 1.3%; 6 homozygotes.

Submissions (3):

Labcorp Genetics (formerly Invitae), Labcorp
Classification: Benign. Last evaluated: 2025-07-21. Review status: criteria provided, single submitter. Criteria: Invitae Variant Classification Sherloc (09022015). Collection method: clinical testing. Allele origin: germline.

Blueprint Genetics
Classification: Likely benign. Last evaluated: 2024-11-18. Review status: criteria provided, single submitter. Criteria: ACMG Guidelines, 2015. Collection method: clinical testing. Allele origin: germline.

PreventionGenetics, part of Exact Sciences
Classification: Likely benign for ERCC6L2-related condition. Last evaluated: 2024-02-09. Review status: no assertion criteria provided. Collection method: clinical testing. Allele origin: germline. Not counted in ClinVar's aggregate classification.
Comment: This variant is classified as likely benign based on ACMG/AMP sequence variant interpretation guidelines (Richards et al. 2015 PMID: 25741868, with internal and published modifications).